The following is an entry in ClinVar:

NM_001130987.2(DYSF):c.3496+187A>G

Gene: DYSF (dysferlin; plus strand). Cytogenetic location: 2p13.2.
Variant type: single nucleotide variant.
Coding change: c.3496+187A>G on transcript NM_001130987.2 (MANE Select); 187 bases into the intron after coding-DNA position 3496, A replaced by G.
Molecular consequence: intron variant.
Genome position (GRCh38, 1-based): chr2:71,589,873, A>G. VCF-style: chr2-71589873-A-G. GRCh37 (hg19) VCF-style: chr2-71817003-A-G.
Other names: c.3535+187A>G (NM_001130979.2); c.3493+187A>G (NM_001130981.2, NM_001130980.2); c.3442+187A>G (NM_001130978.2, NM_003494.4); c.3400+187A>G (NM_001130977.2, NM_001130976.2); c.3538+187A>G (NM_001130982.2); c.3496+187A>G (NM_001130985.2); c.3445+187A>G (NM_001130983.2, NM_001130455.2); c.3403+187A>G (NM_001130984.2, NM_001130986.2).
Identifiers: ClinVar variation 679987 (VCV000679987.2), dbSNP rs1473228, ClinGen allele CA11118040.

ClinVar aggregate classification (germline): Benign. Review status: criteria provided, multiple submitters, no conflicts (2 of 4 stars). 2 submissions from 2 submitters: Benign (2). Last evaluated 2018-06-14.

Allele frequency attached by ClinVar (database versions not stated): gnomAD 0.67177 and 0.67490; TOPMed 0.68498; 1000 Genomes Project 0.73123; 1000 Genomes Project 30x 0.73126.
gnomAD v4.1: 102,596 of 152,034 alleles (67%); highest among the groups gnomAD compares: East Asian, 83%; 35,070 homozygotes.

Submissions (2):

GeneDx
Classification: Benign. Last evaluated: 2018-06-14. Review status: criteria provided, single submitter. Criteria: GeneDx Variant Classification (06012015). Collection method: clinical testing. Allele origin: germline. Affected: yes.
Comment: This variant is considered likely benign or benign based on one or more of the following criteria: it is a conservative change, it occurs at a poorly conserved position in the protein, it is predicted to be benign by multiple in silico algorithms, and/or has population frequency not consistent with disease.

Breakthrough Genomics
Classification: Benign. Review status: criteria provided, single submitter. Criteria: ACMG Guidelines, 2015. Collection method: not provided. Allele origin: germline. Inheritance: Autosomal recessive inheritance. Affected: yes.